The following is an entry in ClinVar:

NM_001104631.2(PDE4D):c.1252C>T (p.Arg418Trp)

Gene: PDE4D (phosphodiesterase 4D; minus strand). Cytogenetic location: 5q11.2.
Variant type: single nucleotide variant.
Coding change: c.1252C>T on transcript NM_001104631.2 (MANE Select); coding-DNA position 1252, C replaced by T.
Protein change: p.Arg418Trp; replaces arginine 418 with tryptophan.
Molecular consequence: missense variant.
Genome position (GRCh38, 1-based): chr5:58,990,839, G>A on the plus strand (C>T on the coding strand, the complement: PDE4D is on the minus strand). VCF-style: chr5-58990839-G-A. GRCh37 (hg19) VCF-style: chr5-58286666-G-A.
Other names: c.1069C>T, p.Arg357Trp (NM_001165899.2, NM_001364599.1); c.1060C>T, p.Arg354Trp (NM_001197218.2); c.886C>T, p.Arg296Trp (NM_001197219.2); c.862C>T, p.Arg288Trp (NM_001197220.2); c.346C>T, p.Arg116Trp (NM_001197221.2, NM_001364603.1); c.580C>T, p.Arg194Trp (NM_001197222.2); c.379C>T, p.Arg127Trp (NM_001197223.2); c.1039C>T, p.Arg347Trp (NM_001349241.2); and 3 more; short protein forms R357W, R418W, R194W, R296W, R308W, R354W, R116W, R127W.
Identifiers: ClinVar variation 907635 (VCV000907635.5), dbSNP rs750666346, ClinGen allele CA3276109.

ClinVar aggregate classification (germline): Conflicting classifications of pathogenicity. Review status: criteria provided, conflicting classifications (1 of 4 stars). 2 submissions from 2 submitters: Uncertain significance (1); Likely benign (1). Last evaluated 2025-05-28.

Conditions:
Inborn genetic diseases. Identifiers: MedGen C0950123, MeSH D030342.
Acrodysostosis 2 with or without hormone resistance. Also called: ACRODYSOSTOSIS 2 WITH HORMONE RESISTANCE; ACRODYSOSTOSIS 2 WITHOUT HORMONE RESISTANCE. Identifiers: Orphanet 280651, MedGen C3553250, MONDO:0013822, OMIM 614613.

Allele frequency attached by ClinVar (database versions not stated): gnomAD 0.00002; TOPMed 0.00002.
gnomAD v4.1: 11 of 1,604,074 alleles (0.00069%); highest among the groups gnomAD compares: African/African-American, 0.0013%; no homozygotes.

Submissions (2):

Ambry Genetics
Classification: Uncertain significance for Inborn genetic diseases. Last evaluated: 2025-05-28. Review status: criteria provided, single submitter. Criteria: Ambry Variant Classification Scheme 2023. Collection method: clinical testing. Allele origin: germline.

Illumina Laboratory Services, Illumina
Classification: Likely benign for Acrodysostosis 2 with or without hormone resistance. Last evaluated: 2018-01-13. Review status: criteria provided, single submitter. Criteria: ICSL Variant Classification Criteria 13 December 2019. Collection method: clinical testing. Allele origin: germline.
Comment: This variant was observed in the ICSL laboratory as part of a predisposition screen in an ostensibly healthy population. It had not been previously curated by ICSL or reported in the Human Gene Mutation Database (HGMD: prior to June 1st, 2018), and was therefore a candidate for classification through an automated scoring system. Utilizing variant allele frequency, disease prevalence and penetrance estimates, and inheritance mode, an automated score was calculated to assess if this variant is too frequent to cause the disease. Based on the score and internal cut-off values, a variant classified as likely benign is not then subjected to further curation. The score for this variant resulted in a classification of likely benign for this disease.